The following is an entry in ClinVar:

ClinVar aggregate classification (germline): Uncertain significance. Review status: criteria provided, multiple submitters, no conflicts (2 of 4 stars). 2 submissions from 2 submitters: Uncertain significance (2). Last evaluated 2024-03-25.

Conditions:
Autoimmune interstitial lung disease-arthritis syndrome. Also called: Autoinflammation and autoimmunity, systemic, with immune dysregulation. Identifiers: Orphanet 444092, MedGen C5975714, MONDO:0014629.

Allele frequency attached by ClinVar (database versions not stated): gnomAD exomes below 0.00001.
gnomAD v4.1: 1 of 1,614,088 alleles (0.000062%); no homozygotes.

Submissions (2):

GeneDx
Classification: Uncertain significance. Last evaluated: 2024-03-25. Review status: criteria provided, single submitter. Criteria: GeneDx Variant Classification Process June 2021. Collection method: clinical testing. Allele origin: germline. Affected: yes.
Comment: Not observed at significant frequency in large population cohorts (gnomAD); In silico analysis supports that this missense variant does not alter protein structure/function; Has not been previously published as pathogenic or benign to our knowledge

Labcorp Genetics (formerly Invitae), Labcorp
Classification: Uncertain significance for Autoimmune interstitial lung disease-arthritis syndrome. Last evaluated: 2023-08-04. Review status: criteria provided, single submitter. Criteria: Invitae Variant Classification Sherloc (09022015). Collection method: clinical testing. Allele origin: germline.
Comment: This sequence change replaces asparagine, which is neutral and polar, with serine, which is neutral and polar, at codon 347 of the COPA protein (p.Asn347Ser). This variant is not present in population databases (gnomAD no frequency). In summary, the available evidence is currently insufficient to determine the role of this variant in disease. Therefore, it has been classified as a Variant of Uncertain Significance. Advanced modeling of protein sequence and biophysical properties (such as structural, functional, and spatial information, amino acid conservation, physicochemical variation, residue mobility, and thermodynamic stability) performed at Invitae indicates that this missense variant is not expected to disrupt COPA protein function. This variant has not been reported in the literature in individuals affected with COPA-related conditions.

NM_004371.4(COPA):c.1040A>G (p.Asn347Ser)

Gene: COPA (coat protein complex I subunit alpha; minus strand). Cytogenetic location: 1q23.2.
Variant type: single nucleotide variant.
Coding change: c.1040A>G on transcript NM_004371.4 (MANE Select); coding-DNA position 1040, A replaced by G.
Protein change: p.Asn347Ser; replaces asparagine 347 with serine.
Molecular consequence: missense variant.
Genome position (GRCh38, 1-based): chr1:160,311,904, T>C on the plus strand (A>G on the coding strand, the complement: COPA is on the minus strand). VCF-style: chr1-160311904-T-C. GRCh37 (hg19) VCF-style: chr1-160281694-T-C.
Other names: c.1040A>G, p.Asn347Ser (NM_001098398.2); c.1040A>G (NM_004371.3); short protein forms N347S.
Identifiers: ClinVar variation 2784369 (VCV002784369.4), dbSNP rs2525404339, ClinGen allele CA343260709.